The following is an entry in ClinVar:

ClinVar aggregate classification (germline): Uncertain significance (1 of 4 stars; one submission).

gnomAD v4.1: 8 of 1,573,988 alleles (0.00051%); highest among the groups gnomAD compares: Non-Finnish European, 0.00069%; no homozygotes.

Submission:

Ambry Genetics
Classification: Uncertain significance. Last evaluated: 2023-09-07. Review status: criteria provided, single submitter. Criteria: Ambry Variant Classification Scheme 2023. Collection method: clinical testing. Allele origin: germline.
Comment: The p.S962C variant (also known as c.2884A>T), located in coding exon 16 of the POLQ gene, results from an A to T substitution at nucleotide position 2884. The serine at codon 962 is replaced by cysteine, an amino acid with dissimilar properties. This amino acid position is conserved. In addition, this alteration is predicted to be tolerated by in silico analysis. Since supporting evidence is limited at this time, the clinical significance of this alteration remains unclear.

NM_199420.4(POLQ):c.2884A>T (p.Ser962Cys)

Gene: POLQ (DNA polymerase theta; minus strand). Cytogenetic location: 3q13.33.
Variant type: single nucleotide variant.
Coding change: c.2884A>T on transcript NM_199420.4 (MANE Select); coding-DNA position 2884, A replaced by T.
Protein change: p.Ser962Cys; replaces serine 962 with cysteine.
Molecular consequence: missense variant.
Genome position (GRCh38, 1-based): chr3:121,490,047, T>A on the plus strand (A>T on the coding strand, the complement: POLQ is on the minus strand). VCF-style: chr3-121490047-T-A. GRCh37 (hg19) VCF-style: chr3-121208894-T-A.
Other names: short protein forms S962C.
Identifiers: ClinVar variation 2625876 (VCV002625876.2), dbSNP rs3218636, ClinGen allele CA354104107.